The following is an entry in ClinVar:

ClinVar aggregate classification (germline): Uncertain significance (1 of 4 stars; one submission).

Submission:

Women's Health and Genetics/Laboratory Corporation of America, LabCorp
Classification: Uncertain significance. Last evaluated: 2025-07-01. Review status: criteria provided, single submitter. Criteria: LabCorp Variant Classification Summary - May 2015. Collection method: clinical testing. Allele origin: germline.
Comment: Variant summary: The variant involves the deletion of exons 1-2 in the KCNA4 gene. A presumed nomenclature of c.(?_-1242)_(*987_?)del has been designated for the purposes of this classification. This deletion includes the entire coding sequence of the gene. As the exact proximal and distal breakpoints are unknown, it may extend beyond the annotated region of the gene to include other flanking genes. Current evidence is not sufficient to establish loss of function as a mechanism for disease. The variant was absent in 21694 control chromosomes. The available data on variant occurrences in the general population are insufficient to allow any conclusion about variant significance. To our knowledge, no occurrence of c.(?_-1242)_(*987_?)del in individuals affected with Microcephaly, Cataracts, Impaired Intellectual Development, And Dystonia With Abnormal Striatum and no experimental evidence demonstrating its impact on protein function have been reported. No submitters have cited clinical-significance assessments for this variant to ClinVar. Based on the evidence outlined above, the variant was classified as uncertain significance.

NC_000011.9:g.(?_30031277)_(30038578_?)del

Gene: KCNA4 (potassium voltage-gated channel subfamily A member 4; minus strand). Cytogenetic location: 11p14.1.
Variant type: Deletion.
Identifiers: ClinVar variation 3906999 (VCV003906999.2).